The following is an entry in ClinVar:

ClinVar aggregate classification (germline): Uncertain significance (1 of 4 stars; one submission).

Conditions:
Neurofibromatosis, type 1 (NF1). Also called: VON RECKLINGHAUSEN DISEASE; NEUROFIBROMATOSIS, TYPE I, SOMATIC; Peripheral type neurofibromatosis; Neurofibromatosis, type I. Identifiers: Orphanet 636, MedGen C0027831, MONDO:0018975, OMIM 162200. Disease mechanism: loss of function.

Submission:

Labcorp Genetics (formerly Invitae), Labcorp
Classification: Uncertain significance for Neurofibromatosis, type 1. Last evaluated: 2017-10-31. Review status: criteria provided, single submitter. Criteria: Invitae Variant Classification Sherloc (09022015). Collection method: clinical testing. Allele origin: germline.
Comment: This sequence change replaces glycine with alanine at codon 1082 of the NF1 protein (p.Gly1082Ala). The glycine residue is moderately conserved and there is a small physicochemical difference between glycine and alanine. This variant is not present in population databases (ExAC no frequency). This variant has not been reported in the literature in individuals with NF1-related disease. Algorithms developed to predict the effect of missense changes on protein structure and function do not agree on the potential impact of this missense change (SIFT: "Tolerated"; PolyPhen-2: "Possibly Damaging"; Align-GVGD: "Class C0"). In summary, the available evidence is currently insufficient to determine the role of this variant in disease. Therefore, it has been classified as a Variant of Uncertain Significance.

NM_001042492.3(NF1):c.3245G>C (p.Gly1082Ala)

Gene: NF1 (neurofibromin 1; plus strand). Cytogenetic location: 17q11.2.
Variant type: single nucleotide variant.
Coding change: c.3245G>C on transcript NM_001042492.3 (MANE Select); coding-DNA position 3245, G replaced by C.
Protein change: p.Gly1082Ala; replaces glycine 1082 with alanine.
Molecular consequence: missense variant.
Genome position (GRCh38, 1-based): chr17:31,232,120, G>C. VCF-style: chr17-31232120-G-C. GRCh37 (hg19) VCF-style: chr17-29559138-G-C.
Other names: c.3245G>C, p.Gly1082Ala (NM_000267.4); short protein forms G1082A.
Identifiers: ClinVar variation 527547 (VCV000527547.5), dbSNP rs1555614839, ClinGen allele CA398988782.